The following is an entry in ClinVar:

NM_198525.3(KIF7):c.1387G>A (p.Gly463Ser)

Gene: KIF7 (kinesin family member 7; minus strand). Cytogenetic location: 15q26.1.
Variant type: single nucleotide variant.
Coding change: c.1387G>A on transcript NM_198525.3 (MANE Select); coding-DNA position 1387, G replaced by A.
Protein change: p.Gly463Ser; replaces glycine 463 with serine.
Molecular consequence: missense variant.
Genome position (GRCh38, 1-based): chr15:89,648,311, C>T on the plus strand (G>A on the coding strand, the complement: KIF7 is on the minus strand). VCF-style: chr15-89648311-C-T. GRCh37 (hg19) VCF-style: chr15-90191542-C-T.
Other names: c.1387G>A (NM_198525.2); short protein forms G463S.
Identifiers: ClinVar variation 1405615 (VCV001405615.6), dbSNP rs1485867610, ClinGen allele CA393770811.

ClinVar aggregate classification (germline): Uncertain significance. Review status: criteria provided, multiple submitters, no conflicts (2 of 4 stars). 2 submissions from 2 submitters: Uncertain significance (2). Last evaluated 2025-12-04.

Conditions:
Inborn genetic diseases. Identifiers: MedGen C0950123, MeSH D030342.
Acrocallosal syndrome (ACLS). Also called: Schinzel syndrome 1; Absence of corpus callosum with unusual facial appearance, mental deficiency, duplication of the halluces and polydactyly; HALLUX DUPLICATION, POSTAXIAL POLYDACTYLY, AND ABSENCE OF CORPUS CALLOSUM. Identifiers: Orphanet 36, MedGen C0796147, MONDO:0008708, OMIM 200990.

Allele frequency attached by ClinVar (database versions not stated): gnomAD 0.00002; TOPMed 0.00002; gnomAD exomes 0.00004.
gnomAD v4.1: 14 of 1,514,270 alleles (0.00092%); highest among the groups gnomAD compares: Admixed American, 0.008%; no homozygotes.

Submissions (2):

Ambry Genetics
Classification: Uncertain significance for Inborn genetic diseases. Last evaluated: 2025-12-04. Review status: criteria provided, single submitter. Criteria: Ambry Variant Classification Scheme 2023. Collection method: clinical testing. Allele origin: germline.

Labcorp Genetics (formerly Invitae), Labcorp
Classification: Uncertain significance for Acrocallosal syndrome. Last evaluated: 2022-08-15. Review status: criteria provided, single submitter. Criteria: Invitae Variant Classification Sherloc (09022015). Collection method: clinical testing. Allele origin: germline.
Comment: This variant has not been reported in the literature in individuals affected with KIF7-related conditions. In summary, the available evidence is currently insufficient to determine the role of this variant in disease. Therefore, it has been classified as a Variant of Uncertain Significance. Algorithms developed to predict the effect of missense changes on protein structure and function are either unavailable or do not agree on the potential impact of this missense change (SIFT: "Deleterious"; PolyPhen-2: "Possibly Damaging"; Align-GVGD: "Class C0"). ClinVar contains an entry for this variant (Variation ID: 1405615). This variant is present in population databases (no rsID available, gnomAD 0.01%). This sequence change replaces glycine, which is neutral and non-polar, with serine, which is neutral and polar, at codon 463 of the KIF7 protein (p.Gly463Ser).